The following is an entry in ClinVar:

NM_181703.4(GJA5):c.989G>C (p.Gly330Ala)

Gene: GJA5 (gap junction protein alpha 5; minus strand). Cytogenetic location: 1q21.2.
Variant type: single nucleotide variant.
Coding change: c.989G>C on transcript NM_181703.4 (MANE Select); coding-DNA position 989, G replaced by C.
Protein change: p.Gly330Ala; replaces glycine 330 with alanine.
Molecular consequence: missense variant.
Genome position (GRCh38, 1-based): chr1:147,758,250, C>G on the plus strand (G>C on the coding strand, the complement: GJA5 is on the minus strand). VCF-style: chr1-147758250-C-G. GRCh37 (hg19) VCF-style: chr1-147230358-C-G.
Other names: c.989G>C, p.Gly330Ala (NM_005266.7); short protein forms G330A.
Identifiers: ClinVar variation 2048861 (VCV002048861.4), dbSNP rs1364041752, ClinGen allele CA342393732.
Genomic context (GRCh38, chr1:147,758,250, plus strand): 5'-TTGCTGCTGGCCTTACTAAGACGTCGCTTGTCACTATGATAGCCATGGGGAAGGCGGTGA[C>G]CTGGTGAGACTCCATTGGGCACCTCAGGCTTCTGGCCATAACGAACCTGGATGAAACCTT-3'
Protein context (NP_859054.1, residues 320-340): KPEVPNGVSP[Gly330Ala]HRLPHGYHSD

ClinVar aggregate classification (germline): Uncertain significance (1 of 4 stars; one submission).

Conditions:
Atrial fibrillation, familial, 11 (ATFB11). Identifiers: MedGen C3279693, MONDO:0013544, OMIM 614049.
Atrial standstill 1 (ATRST1). Also called: Atrial standstill, digenic (GJA5/SCN5A); ATRIAL CARDIOMYOPATHY WITH HEART BLOCK; CARDIOMYOPATHY, FAMILIAL, WITH CONDUCTION DISTURBANCE. Identifiers: Orphanet 1344, MedGen C4551959, MONDO:0007171, OMIM 108770.

Allele frequency attached by ClinVar (database versions not stated): TOPMed below 0.00001.

Submission:

Labcorp Genetics (formerly Invitae), Labcorp
Classification: Uncertain significance for Atrial fibrillation, familial, 11; Atrial standstill 1. Last evaluated: 2022-05-17. Review status: criteria provided, single submitter. Criteria: Invitae Variant Classification Sherloc (09022015). Collection method: clinical testing. Allele origin: germline.
Comment: This sequence change replaces glycine, which is neutral and non-polar, with alanine, which is neutral and non-polar, at codon 330 of the GJA5 protein (p.Gly330Ala). This variant is not present in population databases (gnomAD no frequency). This variant has not been reported in the literature in individuals affected with GJA5-related conditions. Algorithms developed to predict the effect of missense changes on protein structure and function output the following: SIFT: "Not Available"; PolyPhen-2: "Benign"; Align-GVGD: "Not Available". The alanine amino acid residue is found in multiple mammalian species, which suggests that this missense change does not adversely affect protein function. In summary, the available evidence is currently insufficient to determine the role of this variant in disease. Therefore, it has been classified as a Variant of Uncertain Significance.